The following is an entry in ClinVar:

NM_002230.4(JUP):c.107C>T (p.Ser36Phe)

Gene: JUP (junction plakoglobin; minus strand). Cytogenetic location: 17q21.2.
Variant type: single nucleotide variant.
Coding change: c.107C>T on transcript NM_002230.4 (MANE Select); coding-DNA position 107, C replaced by T.
Protein change: p.Ser36Phe; replaces serine 36 with phenylalanine.
Molecular consequence: missense variant.
Genome position (GRCh38, 1-based): chr17:41,771,748, G>A on the plus strand (C>T on the coding strand, the complement: JUP is on the minus strand). VCF-style: chr17-41771748-G-A. GRCh37 (hg19) VCF-style: chr17-39928000-G-A.
Other names: c.107C>T, p.Ser36Phe (NM_001352773.2, NM_001352774.2, NM_001352775.2 and 3 more transcripts); short protein forms S36F.
Identifiers: ClinVar variation 1017784 (VCV001017784.8), dbSNP rs1555607036, ClinGen allele CA399506974.

ClinVar aggregate classification (germline): Uncertain significance (1 of 4 stars; one submission).

Conditions:
Arrhythmogenic right ventricular dysplasia 12. Also called: ARRHYTHMOGENIC RIGHT VENTRICULAR DYSPLASIA, FAMILIAL, 12. Identifiers: MedGen C1969081, MONDO:0012684, OMIM 611528.
Naxos disease (NXD). Also called: WOOLLY HAIR, PALMOPLANTAR KERATODERMA, AND CARDIAC ABNORMALITIES; KERATOSIS PALMOPLANTARIS WITH ARRHYTHMOGENIC CARDIOMYOPATHY; MAL DE NAXOS; PALMOPLANTAR KERATODERMA WITH ARRHYTHMOGENIC RIGHT VENTRICULAR CARDIOMYOPATHY AND WOOLLY HAIR; CARDIOMYOPATHY, ARRHYTHMOGENIC RIGHT VENTRICULAR, WITH SKIN, HAIR, AND NAIL ABNORMALITIES. Identifiers: Orphanet 34217, MedGen C1832600, MONDO:0011017, OMIM 601214.

Allele frequency attached by ClinVar (database versions not stated): gnomAD exomes below 0.00001 and 0.00001; TOPMed below 0.00001; gnomAD 0.00001.
gnomAD v4.1: 5 of 1,614,020 alleles (0.00031%); highest among the groups gnomAD compares: Admixed American, 0.0033%; no homozygotes.

Submission:

Labcorp Genetics (formerly Invitae), Labcorp
Classification: Uncertain significance for Arrhythmogenic right ventricular dysplasia 12; Naxos disease. Last evaluated: 2025-07-14. Review status: criteria provided, single submitter. Criteria: Invitae Variant Classification Sherloc (09022015). Collection method: clinical testing. Allele origin: germline.
Comment: This sequence change replaces serine, which is neutral and polar, with phenylalanine, which is neutral and non-polar, at codon 36 of the JUP protein (p.Ser36Phe). This variant is present in population databases (no rsID available, gnomAD 0.0009%). This variant has not been reported in the literature in individuals affected with JUP-related conditions. ClinVar contains an entry for this variant (Variation ID: 1017784). An algorithm developed to predict the effect of missense changes on protein structure and function (PolyPhen-2) suggests that this variant is likely to be disruptive. In summary, the available evidence is currently insufficient to determine the role of this variant in disease. Therefore, it has been classified as a Variant of Uncertain Significance.